The following is an entry in ClinVar:

ClinVar aggregate classification (germline): Uncertain significance. Review status: criteria provided, multiple submitters, no conflicts (2 of 4 stars). 2 submissions from 2 submitters: Uncertain significance (2). Last evaluated 2021-10-06.

Conditions:
Bardet-Biedl syndrome (BBS). Identifiers: Orphanet 110, MedGen C0752166, MONDO:0015229.

Allele frequency attached by ClinVar (database versions not stated): TOPMed below 0.00001; ExAC 0.00001; gnomAD exomes 0.00001.
gnomAD v4.1: 14 of 1,614,172 alleles (0.00087%); highest among the groups gnomAD compares: Non-Finnish European, 0.0011%; no homozygotes.

Submissions (2):

Labcorp Genetics (formerly Invitae), Labcorp
Classification: Uncertain significance for Bardet-Biedl syndrome. Last evaluated: 2021-10-06. Review status: criteria provided, single submitter. Criteria: Invitae Variant Classification Sherloc (09022015). Collection method: clinical testing. Allele origin: germline.
Comment: This sequence change replaces aspartic acid with glycine at codon 371 of the BBS1 protein (p.Asp371Gly). The aspartic acid residue is moderately conserved and there is a moderate physicochemical difference between aspartic acid and glycine. This variant is present in population databases (rs753791887, ExAC 0.01%). This variant has not been reported in the literature in individuals with BBS1-related conditions. Algorithms developed to predict the effect of missense changes on protein structure and function are either unavailable or do not agree on the potential impact of this missense change (SIFT: "Tolerated"; PolyPhen-2: "Probably Damaging"; Align-GVGD: "Class C0"). In summary, the available evidence is currently insufficient to determine the role of this variant in disease. Therefore, it has been classified as a Variant of Uncertain Significance.

Blueprint Genetics
Classification: Uncertain significance. Last evaluated: 2021-06-21. Review status: criteria provided, single submitter. Criteria: ACMG Guidelines, 2015. Collection method: clinical testing. Allele origin: germline.

NM_024649.5(BBS1):c.1112A>G (p.Asp371Gly)

Genes: BBS1 (Bardet-Biedl syndrome 1; plus strand), ZDHHC24 (zDHHC palmitoyltransferase 24; minus strand). Cytogenetic location: 11q13.2.
Variant type: single nucleotide variant.
Coding change: c.1112A>G on transcript NM_024649.5 (MANE Select); coding-DNA position 1112, A replaced by G.
Protein change: p.Asp371Gly; replaces aspartic acid 371 with glycine.
Molecular consequence: missense variant. On other transcripts: intron variant (1).
Genome position (GRCh38, 1-based): chr11:66,526,124, A>G. VCF-style: chr11-66526124-A-G. GRCh37 (hg19) VCF-style: chr11-66293595-A-G.
Other names: c.*21+812T>C (NM_001348571.2); short protein forms D371G.
Identifiers: ClinVar variation 2148319 (VCV002148319.2), dbSNP rs753791887, ClinGen allele CA6123632.